The following is an entry in ClinVar:

NM_001854.4(COL11A1):c.3362C>T (p.Ser1121Phe)

Gene: COL11A1 (collagen type XI alpha 1 chain; minus strand). Cytogenetic location: 1p21.1.
Variant type: single nucleotide variant.
Coding change: c.3362C>T on transcript NM_001854.4 (MANE Select); coding-DNA position 3362, C replaced by T.
Protein change: p.Ser1121Phe; replaces serine 1121 with phenylalanine.
Molecular consequence: missense variant. On other transcripts: non-coding transcript variant (1).
Genome position (GRCh38, 1-based): chr1:102,940,349, G>A on the plus strand (C>T on the coding strand, the complement: COL11A1 is on the minus strand). VCF-style: chr1-102940349-G-A. GRCh37 (hg19) VCF-style: chr1-103405905-G-A.
Other names: c.3014C>T, p.Ser1005Phe (NM_001168249.1, NM_080630.4); c.3245C>T, p.Ser1082Phe (NM_001190709.2); c.3398C>T, p.Ser1133Phe (NM_080629.3); short protein forms S1082F, S1005F, S1133F, S1121F.
Identifiers: ClinVar variation 2781883 (VCV002781883.3), dbSNP rs868116129, ClinGen allele CA27695514.

ClinVar aggregate classification (germline): Uncertain significance (1 of 4 stars; one submission).

gnomAD v4.1: 1 of 1,613,830 alleles (0.000062%); highest among the groups gnomAD compares: African/African-American, 0.0013%; no homozygotes.

Submission:

Labcorp Genetics (formerly Invitae), Labcorp
Classification: Uncertain significance. Last evaluated: 2023-09-29. Review status: criteria provided, single submitter. Criteria: Invitae Variant Classification Sherloc (09022015). Collection method: clinical testing. Allele origin: germline.
Comment: In summary, the available evidence is currently insufficient to determine the role of this variant in disease. Therefore, it has been classified as a Variant of Uncertain Significance. Advanced modeling of protein sequence and biophysical properties (such as structural, functional, and spatial information, amino acid conservation, physicochemical variation, residue mobility, and thermodynamic stability) performed at Invitae indicates that this missense variant is not expected to disrupt COL11A1 protein function. This variant has not been reported in the literature in individuals affected with COL11A1-related conditions. This variant is not present in population databases (gnomAD no frequency). This sequence change replaces serine, which is neutral and polar, with phenylalanine, which is neutral and non-polar, at codon 1121 of the COL11A1 protein (p.Ser1121Phe).